The following is an entry in ClinVar:

ClinVar aggregate classification (germline): Likely benign (0 of 4 stars; one submission).

Conditions:
ARGLU1-related disorder. Also called: ARGLU1-related condition.

Allele frequency attached by ClinVar (database versions not stated): gnomAD 0.00011; gnomAD exomes 0.00011; TOPMed 0.00012; ExAC 0.00013; 1000 Genomes Project 30x 0.00016; 1000 Genomes Project 0.00020.
gnomAD v4.1: 172 of 1,612,468 alleles (0.011%); highest among the groups gnomAD compares: Middle Eastern, 0.21%; no homozygotes.

Submission:

PreventionGenetics, part of Exact Sciences
Classification: Likely benign for ARGLU1-related condition. Last evaluated: 2019-03-25. Review status: no assertion criteria provided. Collection method: clinical testing. Allele origin: germline.
Comment: This variant is classified as likely benign based on ACMG/AMP sequence variant interpretation guidelines (Richards et al. 2015 PMID: 25741868, with internal and published modifications).

NM_018011.4(ARGLU1):c.48G>A (p.Lys16=)

Gene: ARGLU1 (arginine and glutamate rich 1; minus strand). Cytogenetic location: 13q33.3.
Variant type: single nucleotide variant.
Coding change: c.48G>A on transcript NM_018011.4 (MANE Select); coding-DNA position 48, G replaced by A.
Protein change: p.Lys16=; no amino-acid change (lysine 16 retained).
Molecular consequence: synonymous variant.
Genome position (GRCh38, 1-based): chr13:106,567,872, C>T on the plus strand (G>A on the coding strand, the complement: ARGLU1 is on the minus strand). VCF-style: chr13-106567872-C-T. GRCh37 (hg19) VCF-style: chr13-107220220-C-T.
Identifiers: ClinVar variation 3057406 (VCV003057406.2), dbSNP rs573491268, ClinGen allele CA7043041.